The following is an entry in ClinVar:

NM_001083961.2(WDR62):c.3612C>T (p.Gly1204=)

Gene: WDR62 (WD repeat domain 62; plus strand). Cytogenetic location: 19q13.12.
Variant type: single nucleotide variant.
Coding change: c.3612C>T on transcript NM_001083961.2 (MANE Select); coding-DNA position 3612, C replaced by T.
Protein change: p.Gly1204=; no amino-acid change (glycine 1204 retained).
Molecular consequence: synonymous variant.
Genome position (GRCh38, 1-based): chr19:36,103,440, C>T. VCF-style: chr19-36103440-C-T. GRCh37 (hg19) VCF-style: chr19-36594342-C-T.
Other names: c.3597C>T, p.Gly1199= (NM_173636.5).
Identifiers: ClinVar variation 212604 (VCV000212604.61), dbSNP rs139946168, ClinGen allele CA205949.

ClinVar aggregate classification (germline): Conflicting classifications of pathogenicity. Review status: criteria provided, conflicting classifications (1 of 4 stars). 8 submissions from 8 submitters: Uncertain significance (2); Likely benign (6). Last evaluated 2026-01-02.

Conditions:
Microcephaly 2, primary, autosomal recessive, with or without cortical malformations. Also called: MICROCEPHALY 2, PRIMARY, AUTOSOMAL RECESSIVE, WITH CORTICAL MALFORMATIONS; WDR62 Primary Microcephaly. Identifiers: Orphanet 2512, MedGen C1858535, MONDO:0011435, OMIM 604317.

Allele frequency attached by ClinVar (database versions not stated): gnomAD 0.00066 and 0.00067; ESP Exome Variant Server 0.00069; TOPMed 0.00069; 1000 Genomes Project 30x 0.00078; 1000 Genomes Project 0.00080; gnomAD exomes 0.00085 and 0.00095; ExAC 0.00101.
gnomAD v4.1: 1,351 of 1,614,132 alleles (0.084%); highest among the groups gnomAD compares: Middle Eastern, 0.78%; 3 homozygotes.

Submissions (9):

Labcorp Genetics (formerly Invitae), Labcorp
Classification: Likely benign. Last evaluated: 2026-01-02. Review status: criteria provided, single submitter. Criteria: Invitae Variant Classification Sherloc (09022015). Collection method: clinical testing. Allele origin: germline.

Laboratory of Genetics, Children's Clinical University Hospital Latvia
Classification: Likely benign. Last evaluated: 2025-02-16. Review status: criteria provided, single submitter. Criteria: ACMG Guidelines, 2015. Collection method: clinical testing. Allele origin: germline. Affected: yes.

Blueprint Genetics
Classification: Likely benign. Last evaluated: 2024-10-30. Review status: criteria provided, single submitter. Criteria: ACMG Guidelines, 2015. Collection method: clinical testing. Allele origin: germline.

CeGaT Center for Human Genetics Tuebingen
Classification: Likely benign. Last evaluated: 2024-08-01. Review status: criteria provided, single submitter. Criteria: CeGaT Center For Human Genetics Tuebingen Variant Classification Criteria Version 2. Collection method: clinical testing. Allele origin: germline. Affected: yes. Observed: 3 variant alleles.
Comment: WDR62: BP4, BP7

GeneDx
Classification: Likely benign. Last evaluated: 2019-07-23. Review status: criteria provided, single submitter. Criteria: GeneDx Variant Classification Process June 2021. Collection method: clinical testing. Allele origin: germline. Affected: yes.

Genetic Services Laboratory, University of Chicago
Classification: Likely benign. Last evaluated: 2019-01-18. Review status: criteria provided, single submitter. Criteria: ACMG Guidelines, 2015. Collection method: clinical testing. Allele origin: germline. Affected: no.

Illumina Laboratory Services, Illumina
Classification: Uncertain significance for Microcephaly 2, primary, autosomal recessive, with or without cortical malformations. Last evaluated: 2018-01-12. Review status: criteria provided, single submitter. Criteria: ICSL Variant Classification Criteria 13 December 2019. Collection method: clinical testing. Allele origin: germline.

Eurofins Ntd Llc (ga)
Classification: Uncertain significance. Last evaluated: 2015-08-24. Review status: criteria provided, single submitter. Criteria: EGL Classification Definitions 2015. Collection method: clinical testing. Allele origin: germline. Observed: 2 variant alleles, 2 heterozygotes.

Dr. Peter K. Rogan Lab, Western University
No classification provided (evidence only). Condition: Clear cell carcinoma of kidney. Review status: no classification provided. Collection method: in vitro. Allele origin: not applicable. Functional consequence: retained intron. Not counted in ClinVar's aggregate classification.